The following is an entry in ClinVar:

ClinVar aggregate classification (germline): Uncertain significance (1 of 4 stars; one submission).

Conditions:
Vici syndrome (VICIS). Identifiers: Orphanet 1493, MedGen C1855772, MONDO:0009452, OMIM 242840.

Allele frequency attached by ClinVar (database versions not stated): ExAC 0.00002; gnomAD 0.00002 and 0.00003; gnomAD exomes 0.00003 and 0.00009; TOPMed 0.00005; ESP Exome Variant Server 0.00008.
gnomAD v4.1: 126 of 1,613,898 alleles (0.0078%); highest among the groups gnomAD compares: Non-Finnish European, 0.0099%; no homozygotes.

Submission:

Labcorp Genetics (formerly Invitae), Labcorp
Classification: Uncertain significance for Vici syndrome. Last evaluated: 2022-04-28. Review status: criteria provided, single submitter. Criteria: Invitae Variant Classification Sherloc (09022015). Collection method: clinical testing. Allele origin: germline.
Comment: This sequence change replaces threonine, which is neutral and polar, with methionine, which is neutral and non-polar, at codon 97 of the EPG5 protein (p.Thr97Met). This variant is present in population databases (rs371113007, gnomAD 0.006%). This variant has not been reported in the literature in individuals affected with EPG5-related conditions. ClinVar contains an entry for this variant (Variation ID: 853281). Algorithms developed to predict the effect of missense changes on protein structure and function output the following: SIFT: "Tolerated"; PolyPhen-2: "Benign"; Align-GVGD: "Class C0". The methionine amino acid residue is found in multiple mammalian species, which suggests that this missense change does not adversely affect protein function. In summary, the available evidence is currently insufficient to determine the role of this variant in disease. Therefore, it has been classified as a Variant of Uncertain Significance.

NM_020964.3(EPG5):c.290C>T (p.Thr97Met)

Gene: EPG5 (ectopic P-granules 5 autophagy tethering factor; minus strand). Cytogenetic location: 18q21.1.
Variant type: single nucleotide variant.
Coding change: c.290C>T on transcript NM_020964.3 (MANE Select); coding-DNA position 290, C replaced by T.
Protein change: p.Thr97Met; replaces threonine 97 with methionine.
Molecular consequence: missense variant.
Genome position (GRCh38, 1-based): chr18:45,955,112, G>A on the plus strand (C>T on the coding strand, the complement: EPG5 is on the minus strand). VCF-style: chr18-45955112-G-A. GRCh37 (hg19) VCF-style: chr18-43535078-G-A.
Other names: short protein forms T97M.
Identifiers: ClinVar variation 853281 (VCV000853281.8), dbSNP rs371113007, ClinGen allele CA8949981.